The following is an entry in ClinVar:

NM_000258.3(MYL3):c.559+2T>C

Gene: MYL3 (myosin light chain 3; minus strand). Cytogenetic location: 3p21.31.
Variant type: single nucleotide variant.
Coding change: c.559+2T>C on transcript NM_000258.3 (MANE Select); the canonical splice donor site of the intron after coding-DNA position 559, T replaced by C.
Molecular consequence: splice donor variant.
Genome position (GRCh38, 1-based): chr3:46,858,382, A>G on the plus strand (T>C on the coding strand, the complement: MYL3 is on the minus strand). VCF-style: chr3-46858382-A-G. GRCh37 (hg19) VCF-style: chr3-46899872-A-G.
Other names: c.559+2T>C (NM_001406939.1, NM_001406938.1, NM_001406937.1); c.385+2T>C (NM_001406940.1); c.370+2T>C (NM_001406941.1).
Identifiers: ClinVar variation 2017667 (VCV002017667.4), dbSNP rs1575497401, ClinGen allele CA352495193.

ClinVar aggregate classification (germline): Uncertain significance (1 of 4 stars; one submission).

Conditions:
Hypertrophic cardiomyopathy. Also called: HYPERTROPHIC MYOCARDIOPATHY. Identifiers: Orphanet 217569, MedGen C0007194, MeSH D002312, MONDO:0005045, HP:0001639.

Submission:

Labcorp Genetics (formerly Invitae), Labcorp
Classification: Uncertain significance for Hypertrophic cardiomyopathy. Last evaluated: 2022-07-16. Review status: criteria provided, single submitter. Criteria: Invitae Variant Classification Sherloc (09022015). Collection method: clinical testing. Allele origin: germline.
Comment: Variants that disrupt the consensus splice site are a relatively common cause of aberrant splicing (PMID: 17576681, 9536098). Algorithms developed to predict the effect of sequence changes on RNA splicing suggest that this variant may disrupt the consensus splice site. This sequence change falls in intron 5 of the MYL3 gene. It does not directly change the encoded amino acid sequence of the MYL3 protein. It affects a nucleotide within the consensus splice site. This variant is not present in population databases (gnomAD no frequency). This variant has not been reported in the literature in individuals affected with MYL3-related conditions. In summary, the available evidence is currently insufficient to determine the role of this variant in disease. Therefore, it has been classified as a Variant of Uncertain Significance.

Literature cited by the submitters: PubMed 17576681; PubMed 9536098.